The following is an entry in ClinVar:

NM_015512.5(DNAH1):c.3353T>C (p.Ile1118Thr)

Gene: DNAH1 (dynein axonemal heavy chain 1; plus strand). Cytogenetic location: 3p21.1.
Variant type: single nucleotide variant.
Coding change: c.3353T>C on transcript NM_015512.5 (MANE Select); coding-DNA position 3353, T replaced by C.
Protein change: p.Ile1118Thr; replaces isoleucine 1118 with threonine.
Molecular consequence: missense variant.
Genome position (GRCh38, 1-based): chr3:52,353,506, T>C. VCF-style: chr3-52353506-T-C. GRCh37 (hg19) VCF-style: chr3-52387522-T-C.
Other names: short protein forms I1118T.
Identifiers: ClinVar variation 843469 (VCV000843469.7), dbSNP rs1702483838, ClinGen allele CA353115024.
Genomic context (GRCh38, chr3:52,353,506, plus strand): 5'-TCCAGGGGCTGCGCAACCCTGGCATGCGGATCCGGCACTGGGAGACACTGTCCAACCAGA[T>C]CAACATCAATGTCAGGCCCAAGGCCAACCTGACCTTTGCTCGCTGCCTGGAGATGAACCT-3'
Protein context (NP_056327.4, residues 1108-1128): IRHWETLSNQ[Ile1118Thr]NINVRPKANL

ClinVar aggregate classification (germline): Uncertain significance (1 of 4 stars; one submission).

Conditions:
Spermatogenic failure 18. Identifiers: MedGen C4539783, MONDO:0054615, OMIM 617576.
Ciliary dyskinesia, primary, 37 (CILD37). Also called: CILIARY DYSKINESIA, PRIMARY, 37, WITH OR WITHOUT SITUS INVERSUS. Identifiers: MedGen C4539798, MONDO:0033204, OMIM 617577.

gnomAD v4.1: 5 of 1,613,948 alleles (0.00031%); highest among the groups gnomAD compares: Non-Finnish European, 0.00042%; no homozygotes.

Submission:

Labcorp Genetics (formerly Invitae), Labcorp
Classification: Uncertain significance for Ciliary dyskinesia, primary, 37; Spermatogenic failure 18. Last evaluated: 2022-02-11. Review status: criteria provided, single submitter. Criteria: Invitae Variant Classification Sherloc (09022015). Collection method: clinical testing. Allele origin: germline.
Comment: This sequence change replaces isoleucine, which is neutral and non-polar, with threonine, which is neutral and polar, at codon 1118 of the DNAH1 protein (p.Ile1118Thr). This variant is not present in population databases (gnomAD no frequency). This missense change has been observed in individual(s) with clinical features of DNAH1-related conditions (Invitae). ClinVar contains an entry for this variant (Variation ID: 843469). Algorithms developed to predict the effect of missense changes on protein structure and function are either unavailable or do not agree on the potential impact of this missense change (SIFT: "Deleterious"; PolyPhen-2: "Benign"; Align-GVGD: "Class C65"). In summary, the available evidence is currently insufficient to determine the role of this variant in disease. Therefore, it has been classified as a Variant of Uncertain Significance.